The following is an entry in ClinVar:

ClinVar aggregate classification (germline): Uncertain significance (1 of 4 stars; one submission).

Conditions:
Andersen Tawil syndrome (LQT7). Also called: LONG QT SYNDROME 7; PERIODIC PARALYSIS, POTASSIUM-SENSITIVE CARDIODYSRHYTHMIC TYPE; Andersen Syndrome; ANDERSEN CARDIODYSRHYTHMIC PERIODIC PARALYSIS; Potassium-sensitive periodic paralysis, ventricular ectopy, and dysmorphic features. Identifiers: Orphanet 37553, MedGen C1563715, MONDO:0008222, OMIM 170390.
Short QT syndrome type 3. Identifiers: Orphanet 51083, MedGen C1865018, MONDO:0012314, OMIM 609622.

Submission:

Labcorp Genetics (formerly Invitae), Labcorp
Classification: Uncertain significance for Short QT syndrome type 3; Andersen Tawil syndrome. Last evaluated: 2025-03-25. Review status: criteria provided, single submitter. Criteria: Invitae Variant Classification Sherloc (09022015). Collection method: clinical testing. Allele origin: germline.
Comment: This sequence change replaces tyrosine, which is neutral and polar, with serine, which is neutral and polar, at codon 341 of the KCNJ2 protein (p.Tyr341Ser). This variant is not present in population databases (gnomAD no frequency). This variant has not been reported in the literature in individuals affected with KCNJ2-related conditions. Invitae Evidence Modeling of protein sequence and biophysical properties (such as structural, functional, and spatial information, amino acid conservation, physicochemical variation, residue mobility, and thermodynamic stability) indicates that this missense variant is expected to disrupt KCNJ2 protein function with a positive predictive value of 95%. In summary, the available evidence is currently insufficient to determine the role of this variant in disease. Therefore, it has been classified as a Variant of Uncertain Significance.

NM_000891.3(KCNJ2):c.1022A>C (p.Tyr341Ser)

Gene: KCNJ2 (potassium inwardly rectifying channel subfamily J member 2; plus strand). Cytogenetic location: 17q24.3.
Variant type: single nucleotide variant.
Coding change: c.1022A>C on transcript NM_000891.3 (MANE Select); coding-DNA position 1022, A replaced by C.
Protein change: p.Tyr341Ser; replaces tyrosine 341 with serine.
Molecular consequence: missense variant.
Genome position (GRCh38, 1-based): chr17:70,176,061, A>C. VCF-style: chr17-70176061-A-C. GRCh37 (hg19) VCF-style: chr17-68172202-A-C.
Other names: short protein forms Y341S.
Identifiers: ClinVar variation 4793504 (VCV004793504.1).
Genomic context (GRCh38, chr17:70,176,061, plus strand): 5'-TGTGGGGCCACCGCTATGAGCCTGTGCTCTTTGAAGAGAAGCACTACTACAAAGTGGACT[A>C]TTCCAGGTTCCACAAAACTTACGAAGTCCCCAACACTCCCCTTTGTAGTGCCAGAGACTT-3'
Protein context (NP_000882.1, residues 331-351): FEEKHYYKVD[Tyr341Ser]SRFHKTYEVP